The following is an entry in ClinVar:

ClinVar aggregate classification (germline): Uncertain significance. Review status: criteria provided, multiple submitters, no conflicts (2 of 4 stars). 2 submissions from 2 submitters: Uncertain significance (2). Last evaluated 2026-09-01.

Conditions:
Charcot-Marie-Tooth disease dominant intermediate B (CMTDIB). Also called: Charcot-Marie-Tooth disease dominant intermediate 1; CMT DI1; Charcot-Marie-Tooth disease dominant intermediate I; CHARCOT-MARIE-TOOTH NEUROPATHY, DOMINANT INTERMEDIATE B. Identifiers: Orphanet 100044, Orphanet 228179, MedGen C1847902, MONDO:0011674, OMIM 606482.

Submissions (2):

CeGaT Center for Human Genetics Tuebingen
Classification: Uncertain significance. Last evaluated: 2026-09-01. Review status: criteria provided, single submitter. Criteria: CeGaT Center For Human Genetics Tuebingen Variant Classification Criteria Version 2. Collection method: clinical testing. Allele origin: germline. Affected: yes. Observed: 1 variant allele.
Comment: DNM2: PM4:Supporting

Labcorp Genetics (formerly Invitae), Labcorp
Classification: Uncertain significance for Charcot-Marie-Tooth disease dominant intermediate B. Last evaluated: 2025-08-18. Review status: criteria provided, single submitter. Criteria: Invitae Variant Classification Sherloc (09022015). Collection method: clinical testing. Allele origin: germline.
Comment: This variant, c.1589_1591del, results in the deletion of 1 amino acid(s) of the DNM2 protein (p.Asn530del), but otherwise preserves the integrity of the reading frame. This variant is present in population databases (no rsID available, gnomAD 0.0009%). This variant has not been reported in the literature in individuals affected with DNM2-related conditions. Experimental studies and prediction algorithms are not available or were not evaluated, and the functional significance of this variant is currently unknown. In summary, the available evidence is currently insufficient to determine the role of this variant in disease. Therefore, it has been classified as a Variant of Uncertain Significance.

NM_001005361.3(DNM2):c.1586ACA[1] (p.Asn530del)

Gene: DNM2 (dynamin 2; plus strand). Cytogenetic location: 19p13.2.
Variant type: Microsatellite.
Coding change: c.1586ACA[1] on transcript NM_001005361.3 (MANE Select); one copy of the 3-base unit ACA starting at c.1586; the reference has two copies in a row; one copy, 3 bases deleted.
Protein change: p.Asn530del; deletes asparagine 530.
Molecular consequence: inframe deletion.
Genome position (GRCh38, 1-based): chr19:10,812,295-10,812,297, ACA deleted; deleting any 3 consecutive bases within chr19:10,812,290-10,812,297 gives the same sequence; the position shown is the placement nearest the transcript's 3' end. VCF-style (leftmost placement, unchanged base first): chr19-10812289-TCAA-T. GRCh37 (hg19) VCF-style: chr19-10922965-TCAA-T.
Other names: c.1586ACA[1], p.Asn530del (NM_001005360.3, NM_001190716.2); c.1574ACA[1], p.Asn526del (NM_001005362.3, NM_004945.4); short protein forms N530del, N526del.
Identifiers: ClinVar variation 1368587 (VCV001368587.9), dbSNP rs1342132509, ClinGen allele CA631752850.